The following is an entry in ClinVar:

ClinVar aggregate classification (germline): Uncertain significance (1 of 4 stars; one submission).

Allele frequency attached by ClinVar (database versions not stated): gnomAD exomes below 0.00001.

Submission:

Labcorp Genetics (formerly Invitae), Labcorp
Classification: Uncertain significance. Last evaluated: 2021-06-29. Review status: criteria provided, single submitter. Criteria: Invitae Variant Classification Sherloc (09022015). Collection method: clinical testing. Allele origin: germline.
Comment: In summary, the available evidence is currently insufficient to determine the role of this variant in disease. Therefore, it has been classified as a Variant of Uncertain Significance. Algorithms developed to predict the effect of missense changes on protein structure and function are either unavailable or do not agree on the potential impact of this missense change (SIFT: "Tolerated"; PolyPhen-2: "Possibly Damaging"; Align-GVGD: "Class C0"). This variant has not been reported in the literature in individuals affected with MPLKIP-related conditions. This variant is not present in population databases (ExAC no frequency). This sequence change replaces serine with proline at codon 124 of the MPLKIP protein (p.Ser124Pro). The serine residue is moderately conserved and there is a moderate physicochemical difference between serine and proline.

NM_138701.4(MPLKIP):c.370T>C (p.Ser124Pro)

Gene: MPLKIP (M-phase specific PLK1 interacting protein; minus strand). Cytogenetic location: 7p14.1.
Variant type: single nucleotide variant.
Coding change: c.370T>C on transcript NM_138701.4 (MANE Select); coding-DNA position 370, T replaced by C.
Protein change: p.Ser124Pro; replaces serine 124 with proline.
Molecular consequence: missense variant.
Genome position (GRCh38, 1-based): chr7:40,133,229, A>G on the plus strand (T>C on the coding strand, the complement: MPLKIP is on the minus strand). VCF-style: chr7-40133229-A-G. GRCh37 (hg19) VCF-style: chr7-40172828-A-G.
Other names: short protein forms S124P.
Identifiers: ClinVar variation 1502302 (VCV001502302.8), dbSNP rs980315959, ClinGen allele CA157713111.